The following is an entry in ClinVar:

NM_080680.3(COL11A2):c.559G>A (p.Gly187Arg)

Gene: COL11A2 (collagen type XI alpha 2 chain; minus strand). Cytogenetic location: 6p21.32.
Variant type: single nucleotide variant.
Coding change: c.559G>A on transcript NM_080680.3 (MANE Select); coding-DNA position 559, G replaced by A.
Protein change: p.Gly187Arg; replaces glycine 187 with arginine.
Molecular consequence: missense variant.
Genome position (GRCh38, 1-based): chr6:33,188,409, C>T on the plus strand (G>A on the coding strand, the complement: COL11A2 is on the minus strand). VCF-style: chr6-33188409-C-T. GRCh37 (hg19) VCF-style: chr6-33156186-C-T.
Other names: c.559G>A, p.Gly187Arg (NM_001163771.2, NM_080679.3, NM_080681.3); short protein forms G187R.
Identifiers: ClinVar variation 1343027 (VCV001343027.2), dbSNP rs1350969247, ClinGen allele CA363611350.
Genomic context (GRCh38, chr6:33,188,409, plus strand): 5'-TTGCTCTGGTTACCTCAAAGACTTCTTCATCCAGAATACGGGCACCAAAGATGATCACTC[C>T]ATGGGTGTCCAATACTGGACGAGCACTTCGGGGGAGAGGCCGGGTGACTCGCTTCTTGCA-3'
Protein context (NP_542411.2, residues 177-197): RSARPVLDTH[Gly187Arg]VIIFGARILD

ClinVar aggregate classification (germline): Uncertain significance (1 of 4 stars; one submission).

Allele frequency attached by ClinVar (database versions not stated): gnomAD exomes below 0.00001.
gnomAD v4.1: 2 of 1,613,032 alleles (0.00012%); highest among the groups gnomAD compares: Admixed American, 0.0017%; no homozygotes.

Submission:

GeneDx
Classification: Uncertain significance. Last evaluated: 2022-03-02. Review status: criteria provided, single submitter. Criteria: GeneDx Variant Classification Process June 2021. Collection method: clinical testing. Allele origin: germline. Affected: yes.
Comment: Not observed at a significant frequency in large population cohorts (gnomAD); In silico analysis supports that this missense variant has a deleterious effect on protein structure/function; Has not been previously published as pathogenic or benign to our knowledge